The following is an entry in ClinVar:

NM_000533.5(PLP1):c.389A>G (p.His130Arg)

Genes: PLP1 (proteolipid protein 1; plus strand), RAB9B (RAB9B, member RAS oncogene family; minus strand). Cytogenetic location: Xq22.2.
Variant type: single nucleotide variant.
Coding change: c.389A>G on transcript NM_000533.5 (MANE Select); coding-DNA position 389, A replaced by G.
Protein change: p.His130Arg; replaces histidine 130 with arginine.
Molecular consequence: missense variant. On other transcripts: intron variant (1).
Genome position (GRCh38, 1-based): chrX:103,786,662, A>G. VCF-style: chrX-103786662-A-G. GRCh37 (hg19) VCF-style: chrX-103041591-A-G.
Other names: c.389A>G, p.His130Arg (NM_001128834.3); c.224A>G, p.His75Arg (NM_001305004.1); c.348+41A>G (NM_199478.3); short protein forms H130R, H75R.
Identifiers: ClinVar variation 3369673 (VCV003369673.1).
Genomic context (GRCh38, chrX:103,786,662, plus strand): 5'-GCAAGGGCCTGAGCGCAACGGTAACAGGGGGCCAGAAGGGGAGGGGTTCCAGAGGCCAAC[A>G]TCAAGCTCATTCTTTGGAGCGGGTGTGTCATTGTTTGGGAAAATGGCTAGGACATCCCGA-3'
Protein context (NP_000524.3, residues 120-140): GQKGRGSRGQ[His130Arg]QAHSLERVCH

ClinVar aggregate classification (germline): Uncertain significance (1 of 4 stars; one submission).

Submission:

GeneDx
Classification: Uncertain significance. Last evaluated: 2024-02-22. Review status: criteria provided, single submitter. Criteria: GeneDx Variant Classification Process June 2021. Collection method: clinical testing. Allele origin: germline. Affected: yes.
Comment: Not observed at significant frequency in large population cohorts (gnomAD); Missense variants in this gene are a common cause of disease and they are underrepresented in the general population; In silico analysis supports that this missense variant does not alter protein structure/function; Has not been previously published as pathogenic or benign to our knowledge